The following is an entry in ClinVar:

ClinVar aggregate classification (germline): Uncertain significance. Review status: criteria provided, multiple submitters, no conflicts (2 of 4 stars). 4 submissions from 4 submitters: Uncertain significance (4). Last evaluated 2025-12-21.

Conditions:
Cardiomyopathy (CMYO). Also called: Cardiomyopathies. Identifiers: Orphanet 167848, MedGen C0878544, MONDO:0004994, HP:0001638. Inheritance: Various modes of inheritance.
Arrhythmogenic right ventricular cardiomyopathy (ARVD). Also called: Arrhythmogenic cardiomyopathy; Cardiomyopathy, ARVC; Arrhythmogenic right ventricular dysplasia; Arrhythmogenic Right Ventricular Cardiomyopathy (ARVC). Identifiers: Orphanet 247, MedGen C0349788, MeSH D019571, MONDO:0016587. Disease mechanism: loss of function. Inheritance: Various modes of inheritance.
Arrhythmogenic right ventricular dysplasia 9 (ARVD9). Also called: Arrhythmogenic Right Ventricular Dysplasia/Cardiomyopathy 9; ARRHYTHMOGENIC RIGHT VENTRICULAR DYSPLASIA, FAMILIAL, 9. Identifiers: MedGen C1836906, MONDO:0012180, OMIM 609040.

Allele frequency attached by ClinVar (database versions not stated): TOPMed 0.00001; 1000 Genomes Project 30x 0.00016; 1000 Genomes Project 0.00020.
gnomAD v4.1: 5 of 1,612,100 alleles (0.00031%); highest among the groups gnomAD compares: African/African-American, 0.0027%; no homozygotes.

Submissions (4):

Labcorp Genetics (formerly Invitae), Labcorp
Classification: Uncertain significance for Arrhythmogenic right ventricular dysplasia 9. Last evaluated: 2025-12-21. Review status: criteria provided, single submitter. Criteria: Invitae Variant Classification Sherloc (09022015). Collection method: clinical testing. Allele origin: germline.
Comment: This sequence change replaces arginine, which is basic and polar, with histidine, which is basic and polar, at codon 122 of the PKP2 protein (p.Arg122His). This variant is present in population databases (rs201306582, gnomAD 0.009%). This variant has not been reported in the literature in individuals affected with PKP2-related conditions. ClinVar contains an entry for this variant (Variation ID: 921851). An algorithm developed to predict the effect of missense changes on protein structure and function outputs the following: PolyPhen-2: "Benign". The histidine amino acid residue is found in multiple mammalian species, which suggests that this missense change does not adversely affect protein function. In summary, the available evidence is currently insufficient to determine the role of this variant in disease. Therefore, it has been classified as a Variant of Uncertain Significance.

All of Us Research Program, National Institutes of Health
Classification: Uncertain significance for Arrhythmogenic right ventricular cardiomyopathy. Last evaluated: 2024-09-23. Review status: criteria provided, single submitter. Criteria: ACMG Guidelines, 2015. Collection method: clinical testing. Allele origin: germline. Inheritance: Autosomal dominant inheritance. Observed: 2 variant alleles, 2 heterozygotes.
Comment: This missense variant replaces arginine with histidine at codon 122 of the PKP2 protein. Computational prediction suggests that this variant may not impact protein structure and function (internally defined REVEL score threshold <= 0.5, PMID: 27666373). Splice site prediction tools suggest that this variant may not impact RNA splicing. To our knowledge, functional studies have not been performed for this variant. This variant has not been reported in individuals affected with cardiovascular disorders in the literature. This variant has been identified in 3/279496 chromosomes in the general population by the Genome Aggregation Database (gnomAD). The available evidence is insufficient to determine the role of this variant in disease conclusively. Therefore, this variant is classified as a Variant of Uncertain Significance.

This study involves interpretation of variants in research participants for the purpose of population health screening. Participant phenotype was not available at the time of variant classification. Additional details can be found in publication PMID: 35346344, PMCID: PMC8962531

Color Diagnostics, LLC DBA Color Health
Classification: Uncertain significance for Cardiomyopathy. Last evaluated: 2024-03-06. Review status: criteria provided, single submitter. Criteria: ACMG Guidelines, 2015. Collection method: clinical testing. Allele origin: germline.
Comment: This missense variant replaces arginine with histidine at codon 122 of the PKP2 protein. Computational prediction suggests that this variant may not impact protein structure and function (internally defined REVEL score threshold <= 0.5, PMID: 27666373). To our knowledge, functional studies have not been reported for this variant. This variant has not been reported in individuals affected with cardiovascular disorders in the literature. This variant has been identified in 3/279496 chromosomes in the general population by the Genome Aggregation Database (gnomAD). The available evidence is insufficient to determine the role of this variant in disease conclusively. Therefore, this variant is classified as a Variant of Uncertain Significance.

Institute of Human Genetics, University of Leipzig Medical Center
Classification: Uncertain significance for Arrhythmogenic right ventricular dysplasia 9. Last evaluated: 2019-01-01. Review status: criteria provided, single submitter. Criteria: ACMG Guidelines, 2015. Collection method: clinical testing. Allele origin: unknown. Affected: yes.

NM_001005242.3(PKP2):c.365G>A (p.Arg122His)

Gene: PKP2 (plakophilin 2; minus strand). Cytogenetic location: 12p11.21.
Variant type: single nucleotide variant.
Coding change: c.365G>A on transcript NM_001005242.3 (MANE Select); coding-DNA position 365, G replaced by A.
Protein change: p.Arg122His; replaces arginine 122 with histidine.
Molecular consequence: missense variant.
Genome position (GRCh38, 1-based): chr12:32,878,515, C>T on the plus strand (G>A on the coding strand, the complement: PKP2 is on the minus strand). VCF-style: chr12-32878515-C-T. GRCh37 (hg19) VCF-style: chr12-33031449-C-T.
Other names: c.365G>A, p.Arg122His (NM_004572.4); short protein forms R122H.
Identifiers: ClinVar variation 921851 (VCV000921851.10), dbSNP rs201306582, ClinGen allele CA037091.
Genomic context (GRCh38, chr12:32,878,515, plus strand): 5'-CTCAAGGACCTTTCTTCCACGGACTTCTGGGAGCTGTACTGTGCTGTTCCTCTTCCCCAG[C>T]GACCTTCATAAGTGGCAGTTGTGCCAGCCTGCACATGAGAGAAATAAAGTTTAAAGGGGG-3'
Protein context (NP_001005242.2, residues 112-132): KAGTTATYEG[Arg122His]WGRGTAQYSS